The following is an entry in ClinVar:

NM_001145809.2(MYH14):c.1534C>T (p.Gln512Ter)

Gene: MYH14 (myosin heavy chain 14; plus strand). Cytogenetic location: 19q13.33.
Variant type: single nucleotide variant.
Coding change: c.1534C>T on transcript NM_001145809.2 (MANE Select); coding-DNA position 1534, C replaced by T.
Protein change: p.Gln512Ter; replaces glutamine 512 with a stop codon.
Molecular consequence: nonsense.
Genome position (GRCh38, 1-based): chr19:50,249,701, C>T. VCF-style: chr19-50249701-C-T. GRCh37 (hg19) VCF-style: chr19-50752958-C-T.
Other names: c.1534C>T, p.Gln512Ter (NM_001077186.2); c.1510C>T, p.Gln504Ter (NM_024729.4); short protein forms Q504*, Q512*.
Identifiers: ClinVar variation 4769573 (VCV004769573.1).

ClinVar aggregate classification (germline): Pathogenic (1 of 4 stars; one submission).

Submission:

Labcorp Genetics (formerly Invitae), Labcorp
Classification: Pathogenic. Last evaluated: 2025-09-30. Review status: criteria provided, single submitter. Criteria: Invitae Variant Classification Sherloc (09022015). Collection method: clinical testing. Allele origin: germline.
Comment: This sequence change creates a premature translational stop signal (p.Gln504*) in the MYH14 gene. It is expected to result in an absent or disrupted protein product. Loss-of-function variants in MYH14 are known to be pathogenic (PMID: 15015131, 28221712). This variant is not present in population databases (gnomAD no frequency). This variant has not been reported in the literature in individuals affected with MYH14-related conditions. For these reasons, this variant has been classified as Pathogenic.

Literature cited by the submitters: PubMed 15015131; PubMed 28221712.